The following is an entry in ClinVar:

ClinVar aggregate classification (germline): Likely pathogenic (1 of 4 stars; one submission).

Conditions:
Leukodystrophy, hypomyelinating, 8, with or without oligodontia and/or hypogonadotropic hypogonadism. Also called: Hypomyelinating leukodystrophy 8 with or without oligodontia and-or hypogonadotropic hypogonadism; Endosteal sclerosis-cerebellar hypoplasia syndrome; LEUKODYSTROPHY, HYPOMYELINATING, 8, WITH HYPODONTIA AND HYPOGONADOTROPIC HYPOGONADISM. Identifiers: Orphanet 85186, Orphanet 88637, MedGen C3280644, MONDO:0013722, OMIM 614381.

Submission:

Juno Genomics, Hangzhou Juno Genomics, Inc
Classification: Likely pathogenic for Leukodystrophy, hypomyelinating, 8, with or without oligodontia and/or hypogonadotropic hypogonadism. Review status: criteria provided, single submitter. Criteria: ACMG Guidelines, 2015. Collection method: clinical testing. Allele origin: germline.
Comment: Null variant in a gene where loss of function (LOF) is a known mechanism of disease.;Absent from controls (or at extremely low frequency if recessive) in Genome Aggregation Database.

NM_018082.6(POLR3B):c.494del (p.Pro165fs)

Gene: POLR3B (RNA polymerase III subunit B; plus strand). Cytogenetic location: 12q23.3.
Variant type: Deletion.
Coding change: c.494del on transcript NM_018082.6 (MANE Select); coding-DNA position 494, one base deleted (C; older notation c.494delC).
Protein change: p.Pro165fs; shifts the reading frame from proline 165.
Molecular consequence: frameshift variant.
Genome position (GRCh38, 1-based): chr12:106,376,448, C deleted; the last of 2 consecutive C bases (chr12:106,376,447-106,376,448); deleting either gives the same sequence. VCF-style (leftmost placement, unchanged base first): chr12-106376446-TC-T. GRCh37 (hg19) VCF-style: chr12-106770224-TC-T.
Other names: c.320del, p.Pro107fs (NM_001160708.2); short protein forms P107fs, P165fs.
Identifiers: ClinVar variation 5005029 (VCV005005029.2).